The following is an entry in ClinVar:

ClinVar aggregate classification (germline): Conflicting classifications of pathogenicity. Review status: criteria provided, conflicting classifications (1 of 4 stars). 2 submissions from 2 submitters: Pathogenic (1); Uncertain significance (1). Last evaluated 2025-08-15.

Conditions:
Hereditary cancer-predisposing syndrome. Also called: Hereditary neoplastic syndrome; Neoplastic Syndromes, Hereditary; Tumor predisposition; Hereditary Cancer Syndrome. Identifiers: Orphanet 140162, MedGen C0027672, MeSH D009386, MONDO:0015356.

Submissions (2):

Ambry Genetics
Classification: Uncertain significance for Hereditary cancer-predisposing syndrome. Last evaluated: 2025-08-15. Review status: criteria provided, single submitter. Criteria: Ambry Variant Classification Scheme 2023. Collection method: clinical testing. Allele origin: germline.
Comment: The p.E132* variant (also known as c.394G>T), located in coding exon 5 of the POLE gene, results from a G to T substitution at nucleotide position 394. This changes the amino acid from a glutamic acid to a stop codon within coding exon 5. This alteration is expected to result in loss of function by premature protein truncation or nonsense-mediated mRNA decay. Although biallelic loss of function of POLE has been associated with autosomal recessive POLE deficiency, haploinsufficiency of POLE has not been established as a mechanism of disease for POLE-related polymerase proofreading-associated polyposis (PPAP) and POLE-related CMMRD-like syndrome. Based on the supporting evidence, this variant is expected to be causative of POLE deficiency when present along with a second pathogenic variant on the other allele; however, its clinical significance for PPAP and POLE-related CMMRD-like syndrome is unclear.

Labcorp Genetics (formerly Invitae), Labcorp
Classification: Pathogenic. Last evaluated: 2022-05-12. Review status: criteria provided, single submitter. Criteria: Invitae Variant Classification Sherloc (09022015). Collection method: clinical testing. Allele origin: germline.
Comment: This sequence change creates a premature translational stop signal (p.Glu132*) in the POLE gene. It is expected to result in an absent or disrupted protein product. Loss-of-function variants in POLE are known to be pathogenic (PMID: 23230001, 25948378, 30503519). For these reasons, this variant has been classified as Pathogenic. Algorithms developed to predict the effect of sequence changes on RNA splicing suggest that this variant may disrupt the consensus splice site. ClinVar contains an entry for this variant (Variation ID: 949147). This variant has not been reported in the literature in individuals affected with POLE-related conditions. This variant is not present in population databases (gnomAD no frequency).

Literature cited by the submitters: PubMed 23230001 (cited by Labcorp Genetics (formerly Invitae), Labcorp); PubMed 25948378 (cited by Labcorp Genetics (formerly Invitae), Labcorp); PubMed 30503519 (cited by Labcorp Genetics (formerly Invitae), Labcorp).

NM_006231.4(POLE):c.394G>T (p.Glu132Ter)

Gene: POLE (DNA polymerase epsilon, catalytic subunit; minus strand). Cytogenetic location: 12q24.33.
Variant type: single nucleotide variant.
Coding change: c.394G>T on transcript NM_006231.4 (MANE Select); coding-DNA position 394, G replaced by T.
Protein change: p.Glu132Ter; replaces glutamic acid 132 with a stop codon.
Molecular consequence: nonsense.
Genome position (GRCh38, 1-based): chr12:132,679,983, C>A on the plus strand (G>T on the coding strand, the complement: POLE is on the minus strand). VCF-style: chr12-132679983-C-A. GRCh37 (hg19) VCF-style: chr12-133256569-C-A.
Other names: c.394G>T (NM_006231.2); short protein forms E132*.
Identifiers: ClinVar variation 949147 (VCV000949147.10), dbSNP rs1047199277, ClinGen allele CA246302333.
Genomic context (GRCh38, chr12:132,679,983, plus strand): 5'-TTTACCCCTGGAAAGTCTGGGTGATACTCACCAAGTCCAGATCCTCTTTGGGGACAGTCT[C>A]CACTTTTGCAATTTTGCCCTGAAACTTCTTGGAGAGAAAAGATGAAACTTCTCGCTCACA-3'